The following is an entry in ClinVar:

NM_000051.4(ATM):c.2770C>T (p.Arg924Trp)

Gene: ATM (ATM serine/threonine kinase; plus strand). Cytogenetic location: 11q22.3.
Variant type: single nucleotide variant.
Coding change: c.2770C>T on transcript NM_000051.4 (MANE Select); coding-DNA position 2770, C replaced by T.
Protein change: p.Arg924Trp; replaces arginine 924 with tryptophan.
Molecular consequence: missense variant.
Genome position (GRCh38, 1-based): chr11:108,268,541, C>T. VCF-style: chr11-108268541-C-T. GRCh37 (hg19) VCF-style: chr11-108139268-C-T.
Other names: p.R924W:CGG>TGG; c.2770C>T, p.Arg924Trp (NM_001351834.2); short protein forms R924W.
Identifiers: ClinVar variation 127358 (VCV000127358.62), dbSNP rs55723361, ClinGen allele CA286776.

ClinVar aggregate classification (germline): Conflicting classifications of pathogenicity. Review status: criteria provided, conflicting classifications (1 of 4 stars). 25 submissions from 25 submitters: Uncertain significance (19); Likely benign (1). 5 of the submissions do not count toward it. Last evaluated 2026-04-24.

Conditions:
ATM-related disorder. Also called: ATM-related disorders; ATM-related condition.
ATM-related cancer predisposition. Also called: ATM-related cancer susceptibility. Identifiers: MedGen CN377759, MONDO:0700270.
Hereditary cancer-predisposing syndrome. Also called: Neoplastic Syndromes, Hereditary; Tumor predisposition; Hereditary Cancer Syndrome; Hereditary neoplastic syndrome. Identifiers: Orphanet 140162, MedGen C0027672, MeSH D009386, MONDO:0015356.
Ataxia-telangiectasia syndrome (AT). Also called: LOUIS-BAR SYNDROME; Cerebello-oculocutaneous telangiectasia; Immunodeficiency with ataxia telangiectasia; Ataxia-telangiectasia, complementation group D; Ataxia-telangiectasia, complementation group E; Ataxia telangiectasia (A-T). Identifiers: Orphanet 100, MedGen C0004135, MONDO:0008840, OMIM 208900.
Familial cancer of breast. Also called: hereditary breast carcinoma; Hereditary breast cancer; BREAST CANCER, FAMILIAL. Identifiers: Orphanet 227535, MedGen C0346153, MONDO:0016419, OMIM 114480. Disease mechanism: loss of function.

Allele frequency attached by ClinVar (database versions not stated): ExAC 0.00005; gnomAD 0.00005 and 0.00006; gnomAD exomes 0.00005; TOPMed 0.00006; ESP Exome Variant Server 0.00031.
gnomAD v4.1: 49 of 1,613,908 alleles (0.003%); highest among the groups gnomAD compares: Middle Eastern, 0.066%; no homozygotes.

Submissions 1 to 8 of 25:

PreventionGenetics, part of Exact Sciences
Classification: Uncertain significance for ATM-related condition. Last evaluated: 2026-04-24. Review status: criteria provided, single submitter. Criteria: ACMG Guidelines, 2015. Collection method: clinical testing. Allele origin: germline.
Comment: The ATM c.2770C>T variant is predicted to result in the amino acid substitution p.Arg924Trp. This variant has been reported in individuals with breast cancer (Bernstein et al. 2010. PubMed ID: 20305132, Table S2; Jalkh et al. 2017. PubMed ID: 28202063, Table 2; Girard et al. 2018. PubMed ID: 30303537, Table S3), an individual with renal cancer (Greenman et al. 2007. PubMed ID: 17344846, Table S4), individuals with diffuse large B cell lymphoma (de Miranda et al. 2013. PubMed ID: 23960188, Table S3; Leeksma et al. 2017. PubMed ID: 28211887, Table 1), an individual with colorectal cancer (Pearlman et al. 2017. PubMed ID: 27978560, eTable 2), and an individual with familial pancreatic ductal adenocarcinoma (Schwartz et al. 2019. PubMed ID: 31432501, Table 1). It has also been reported in a control individual from a breast cancer cohort study (Girard et al. 2018. PubMed ID: 30303537, Table S3). This variant is reported in 0.058% of alleles in individuals of Ashkenazi Jewish descent in gnomAD and is interpreted as uncertain significance in ClinVar (Variation ID: 127358). At this time, the clinical significance of this variant is uncertain due to the absence of conclusive functional and genetic evidence.

Labcorp Genetics (formerly Invitae), Labcorp
Classification: Uncertain significance for Ataxia-telangiectasia syndrome. Last evaluated: 2026-01-25. Review status: criteria provided, single submitter. Criteria: Invitae Variant Classification Sherloc (09022015). Collection method: clinical testing. Allele origin: germline.
Comment: This sequence change replaces arginine, which is basic and polar, with tryptophan, which is neutral and slightly polar, at codon 924 of the ATM protein (p.Arg924Trp). This variant is present in population databases (rs55723361, gnomAD 0.06%). This missense change has been observed in individual(s) with breast cancer, colon cancer, diffuse large B-cell lymphoma, and/or ovarian cancer (PMID: 20305132, 27978560, 28202063, 28211887, 29522266, 30303537, 31742824, 32658311). ClinVar contains an entry for this variant (Variation ID: 127358). Invitae Evidence Modeling of protein sequence and biophysical properties (such as structural, functional, and spatial information, amino acid conservation, physicochemical variation, residue mobility, and thermodynamic stability) indicates that this missense variant is not expected to disrupt ATM protein function with a negative predictive value of 95%. In summary, the available evidence is currently insufficient to determine the role of this variant in disease. Therefore, it has been classified as a Variant of Uncertain Significance.

Women's Health and Genetics/Laboratory Corporation of America, LabCorp
Classification: Uncertain significance. Last evaluated: 2026-01-21. Review status: criteria provided, single submitter. Criteria: LabCorp Variant Classification Summary - May 2015. Collection method: clinical testing. Allele origin: germline.
Comment: Variant summary: ATM c.2770C>T (p.Arg924Trp) results in a non-conservative amino acid change in the encoded protein sequence. Algorithms developed to predict the effect of missense changes on protein structure and function all suggest that this variant is likely to be disruptive. The variant allele was found at a frequency of 4.8e-05 in 251442 control chromosomes. This frequency is not significantly higher than estimated for disease-causing variants in ATM, allowing no conclusion about variant significance. c.2770C>T has been observed in individuals affected with with breast cancer, colon cancer, diffuse large B-cell lymphoma, or ovarian cancer, however without strong evidence of causality (Greenman_2007, Jalkh_2017, Bernstein_2010, deMiranda_2013, Pearlman_2016, Girard_2019, Schwartz_2019, Akcay_2021, Karlsson_2021, Shao_2020, Weitzel_2019, Okawa_2023). These report(s) do not provide unequivocal conclusions about association of the variant with Breast Cancer. To our knowledge, no experimental evidence demonstrating an impact on protein function has been reported. To our knowledge, no experimental evidence demonstrating an impact on protein function has been reported. The following publications have been ascertained in the context of this evaluation (PMID: 17344846, 23960188, 22529920, 20305132, 27978560, 28202063, 28282032, 31206626, 30303537, 31432501, 31742824, 32658311, 33436325, 36243179). ClinVar contains an entry for this variant (Variation ID: 127358). Based on the evidence outlined above, the variant was classified as uncertain significance.

Dasa
Classification: Uncertain significance for ATM-related cancer predisposition. Last evaluated: 2025-12-24. Review status: criteria provided, single submitter. Criteria: DASA Assertion Criteria. Collection method: clinical testing. Allele origin: germline.
Comment: NM_000051.4(ATM):c.2770C>T (p.Arg924Trp) is a missense variant that results in the substitution of arginine with tryptophan. This variant has been recurrently observed in individuals with ATM-related cancer predisposition (PMID: 27978560; PMID: 30303537; PMID: 33436325; PMID: 32658311; PMID: 31432501). Multiple computational predictions support a deleterious effect on the gene or gene product. The variant is present at low frequency in population datasets. Based on the available data, this variant is classified as variant of uncertain significance.

Ambry Genetics
Classification: Uncertain significance for Hereditary cancer-predisposing syndrome. Last evaluated: 2025-10-09. Review status: criteria provided, single submitter. Criteria: Ambry Variant Classification Scheme 2023. Collection method: clinical testing. Allele origin: germline.
Comment: The p.R924W variant (also known as c.2770C>T), located in coding exon 17 of the ATM gene, results from a C to T substitution at nucleotide position 2770. The arginine at codon 924 is replaced by tryptophan, an amino acid with dissimilar properties. This amino acid position is highly conserved in available vertebrate species. In addition, this alteration is predicted to be deleterious by in silico analysis. Based on the available evidence, the clinical significance of this variant remains unclear.

Quest Diagnostics Nichols Institute San Juan Capistrano
Classification: Uncertain significance. Last evaluated: 2025-08-13. Review status: criteria provided, single submitter. Criteria: Quest Diagnostics criteria. Collection method: clinical testing. Allele origin: unknown.

Color Diagnostics, LLC DBA Color Health
Classification: Uncertain significance for Hereditary cancer-predisposing syndrome. Last evaluated: 2025-05-07. Review status: criteria provided, single submitter. Criteria: ACMG Guidelines, 2015. Collection method: clinical testing. Allele origin: germline.
Comment: This missense variant replaces arginine with tryptophan at codon 924 of the ATM protein. Computational prediction suggests that this variant may not impact protein structure and function. To our knowledge, functional studies have not been reported for this variant. This variant has been reported in individuals affected with breast cancer (PMID: 20305132, 28202063, 29522266, 30303537, 32658311, 33471991, 38136308), pancreatic cancer (PMID: 31432501), colorectal cancer (PMID: 27978560), and biliary tract cancer (PMID: 36243179), but also in unaffected control individuals (PMID: 30303537, 31206626, 33436325, 33471991). In a large international case-control study, this variant was reported in 6/60460 breast cancer cases and 5/53456 controls (OR=1.061, 95%CI 0.324 to 3.477, p-value=1PMID: 33471991). This variant has been identified in 16/282842 chromosomes in the general population by the Genome Aggregation Database (gnomAD). The available evidence is insufficient to determine the role of this variant in disease conclusively. Therefore, this variant is classified as a Variant of Uncertain Significance.

Molecular Diagnostics Laboratory, Catalan Institute of Oncology
Classification: Uncertain significance for Hereditary cancer-predisposing syndrome. Last evaluated: 2025-02-24. Review status: criteria provided, single submitter. Criteria: ClinGen ACMG Specifications ATM V1.1.0. Collection method: clinical testing. Allele origin: germline.
Comment: c.2770C>T, located in exon 18 of the ATM gene, is predicted to result in the substitution of arginine by tryptophan at codon 924, p.(Arg924Trp). This variant is found in 16/268304 alleles at a frequency of 0.006% in the gnomAD v2.1.1 database, non-cancer dataset. The SpliceAI algorithm predicts no significant impact on splicing and the REVEL meta-predictor score (0.473) for this variant is indeterminate regarding the effect that it may have on protein function. To our knowledge, neither relevant clinical data nor well-stablished functional studies have been reported for this variant. It has been reported in the ClinVar database (1x likely benign, 19x uncertain significance) and in the LOVD database (6x uncertain significance). Based on the currently available information, c.2770C>T is classified as an uncertain significance variant according to ClinGen-ATM Guidelines version v1.1.